The following is an entry in ClinVar:

NM_004341.5(CAD):c.5058C>T (p.Asp1686=)

Gene: CAD (carbamoyl-phosphate synthetase 2, aspartate transcarbamylase, and dihydroorotase; plus strand). Cytogenetic location: 2p23.3.
Variant type: single nucleotide variant.
Coding change: c.5058C>T on transcript NM_004341.5 (MANE Select); coding-DNA position 5058, C replaced by T.
Protein change: p.Asp1686=; no amino-acid change (aspartic acid 1686 retained).
Molecular consequence: synonymous variant.
Genome position (GRCh38, 1-based): chr2:27,238,628, C>T. VCF-style: chr2-27238628-C-T. GRCh37 (hg19) VCF-style: chr2-27461496-C-T.
Other names: p.Asp1686=; c.4869C>T, p.Asp1623= (NM_001306079.2).
Identifiers: ClinVar variation 774404 (VCV000774404.46), dbSNP rs61757649, ClinGen allele CA1573728.

ClinVar aggregate classification (germline): Benign/Likely benign. Review status: criteria provided, multiple submitters, no conflicts (2 of 4 stars). 5 submissions from 5 submitters: Benign (3); Likely benign (2). Last evaluated 2026-10-01.

Conditions:
Developmental and epileptic encephalopathy, 50 (DEE50). Also called: Epileptic encephalopathy, early infantile, 50. Identifiers: Orphanet 448010, MedGen C4225320, MONDO:0014647, OMIM 616457.

Allele frequency attached by ClinVar (database versions not stated): 1000 Genomes Project 0.00080; 1000 Genomes Project 30x 0.00094; gnomAD exomes 0.00528; ExAC 0.00536; TOPMed 0.00609; ESP Exome Variant Server 0.00784.

Submissions (5):

CeGaT Center for Human Genetics Tuebingen
Classification: Benign. Last evaluated: 2026-10-01. Review status: criteria provided, single submitter. Criteria: CeGaT Center For Human Genetics Tuebingen Variant Classification Criteria Version 2. Collection method: clinical testing. Allele origin: germline. Affected: yes. Observed: 57 variant alleles.
Comment: CAD: BP4, BP7, BS1, BS2

Labcorp Genetics (formerly Invitae), Labcorp
Classification: Benign. Last evaluated: 2026-02-03. Review status: criteria provided, single submitter. Criteria: Invitae Variant Classification Sherloc (09022015). Collection method: clinical testing. Allele origin: germline.

Mayo Clinic Laboratories, Mayo Clinic
Classification: Benign. Last evaluated: 2023-06-15. Review status: criteria provided, single submitter. Criteria: ACMG Guidelines, 2015. Collection method: clinical testing. Allele origin: germline. Observed: 3 variant alleles.
Comment: BS1, BS2, BP4, BP7

Fulgent Genetics
Classification: Likely benign for Developmental and epileptic encephalopathy, 50. Last evaluated: 2021-08-31. Review status: criteria provided, single submitter. Criteria: ACMG Guidelines, 2015. Collection method: clinical testing. Allele origin: unknown.

Breakthrough Genomics
Classification: Likely benign. Review status: criteria provided, single submitter. Criteria: ACMG Guidelines, 2015. Collection method: not provided. Allele origin: germline. Inheritance: Autosomal recessive inheritance. Affected: yes.